The following is an entry in ClinVar:

ClinVar aggregate classification (germline): Conflicting classifications of pathogenicity. Review status: criteria provided, conflicting classifications (1 of 4 stars). 3 submissions from 3 submitters: Uncertain significance (2); Likely benign (1). Last evaluated 2026-01-26.

Conditions:
MEGF8-related Carpenter syndrome. Also called: Carpenter syndrome 2. Identifiers: Orphanet 65759, MedGen C3554247, MONDO:0013998, OMIM 614976.

Allele frequency attached by ClinVar (database versions not stated): TOPMed 0.00026; gnomAD 0.00027 and 0.00033; gnomAD exomes 0.00042; ExAC 0.00076; 1000 Genomes Project 30x 0.00094; 1000 Genomes Project 0.00100.
gnomAD v4.1: 478 of 1,586,596 alleles (0.03%); highest among the groups gnomAD compares: East Asian, 0.49%; 1 homozygote.

Submissions (6):

GeneDx
Classification: Uncertain significance. Last evaluated: 2026-01-26. Review status: criteria provided, single submitter. Criteria: GeneDx Variant Classification Process June 2021. Collection method: clinical testing. Allele origin: germline.
Comment: In silico analysis suggests that this missense variant does not alter protein structure/function; Has not been previously published as pathogenic or benign to our knowledge

Labcorp Genetics (formerly Invitae), Labcorp
Classification: Likely benign for MEGF8-related Carpenter syndrome. Last evaluated: 2025-12-30. Review status: criteria provided, single submitter. Criteria: Invitae Variant Classification Sherloc (09022015). Collection method: clinical testing. Allele origin: germline.

CeGaT Center for Human Genetics Tuebingen
Classification: Uncertain significance. Last evaluated: 2023-04-01. Review status: criteria provided, single submitter. Criteria: CeGaT Center For Human Genetics Tuebingen Variant Classification Criteria Version 2. Collection method: clinical testing. Allele origin: germline. Affected: yes. Observed: 1 variant allele.

Dr. Peter K. Rogan Lab, Western University
No classification provided (evidence only). Condition: Thyroid cancer, nonmedullary, 1. Review status: no classification provided. Collection method: in vitro. Allele origin: not applicable. Functional consequence: retained intron. Not counted in ClinVar's aggregate classification.

Dr. Peter K. Rogan Lab, Western University
No classification provided (evidence only). Condition: Thyroid cancer, nonmedullary, 1. Review status: no classification provided. Collection method: in vitro. Allele origin: not applicable. Functional consequence: retained intron. Not counted in ClinVar's aggregate classification.

Dr. Peter K. Rogan Lab, Western University
No classification provided (evidence only). Condition: Gastric cancer. Review status: no classification provided. Collection method: in vitro. Allele origin: not applicable. Functional consequence: retained intron. Not counted in ClinVar's aggregate classification.

NM_001271938.2(MEGF8):c.6395G>A (p.Arg2132Gln)

Gene: MEGF8 (multiple EGF like domains 8; plus strand). Cytogenetic location: 19q13.2.
Variant type: single nucleotide variant.
Coding change: c.6395G>A on transcript NM_001271938.2 (MANE Select); coding-DNA position 6395, G replaced by A.
Protein change: p.Arg2132Gln; replaces arginine 2132 with glutamine.
Molecular consequence: missense variant.
Genome position (GRCh38, 1-based): chr19:42,368,576, G>A. VCF-style: chr19-42368576-G-A. GRCh37 (hg19) VCF-style: chr19-42872728-G-A.
Other names: c.6194G>A, p.Arg2065Gln (NM_001410.3); short protein forms R2132Q, R2065Q.
Identifiers: ClinVar variation 771617 (VCV000771617.35), dbSNP rs201140958, ClinGen allele CA9475850.